The following is an entry in ClinVar:

NM_001039660.2(IL18BP):c.236-72G>A

Gene: IL18BP (interleukin 18 binding protein; plus strand). Cytogenetic location: 11q13.4.
Variant type: single nucleotide variant.
Coding change: c.236-72G>A on transcript NM_001039660.2 (MANE Select); 72 bases into the intron before coding-DNA position 236, G replaced by A.
Molecular consequence: intron variant.
Genome position (GRCh38, 1-based): chr11:72,001,129, G>A. VCF-style: chr11-72001129-G-A. GRCh37 (hg19) VCF-style: chr11-71712175-G-A.
Other names: c.236-72G>A (NM_001039659.2, NM_173044.3, NM_005699.3 and 2 more transcripts); c.235+572G>A (NM_001145055.1).
Identifiers: ClinVar variation 2688428 (VCV002688428.2), dbSNP rs1892919, ClinGen allele CA13463923.

ClinVar aggregate classification (germline): Benign (1 of 4 stars; one submission).

Allele frequency attached by ClinVar (database versions not stated): 1000 Genomes Project 30x 0.79435; 1000 Genomes Project 0.79513; TOPMed 0.84367; gnomAD 0.85470; gnomAD exomes 0.92665.
gnomAD v4.1: 1,460,348 of 1,588,732 alleles (92%); highest among the groups gnomAD compares: Non-Finnish European, 95%; 674,560 homozygotes.

Submission:

Unidad de Genómica Garrahan, Hospital de Pediatría Garrahan
Classification: Benign. Last evaluated: 2024-01-24. Review status: criteria provided, single submitter. Criteria: ACMG Guidelines, 2015. Collection method: clinical testing. Allele origin: germline. Affected: no. Observed: 84 variant alleles.
Comment: This variant is classified as Benign based on local population frequency. This variant was detected in 95% of patients studied by a panel of primary immunodeficiencies. Number of patients: 84. Only high quality variants are reported.